The following is an entry in ClinVar:

NM_001382.4(DPAGT1):c.277C>G (p.His93Asp)

Genes: DPAGT1 (dolichyl-phosphate N-acetylglucosaminephosphotransferase 1; minus strand), LOC126861360 (BRD4-independent group 4 enhancer GRCh37_chr11:118972216-118973415; plus strand). Cytogenetic location: 11q23.3.
Variant type: single nucleotide variant.
Coding change: c.277C>G on transcript NM_001382.4 (MANE Select); coding-DNA position 277, C replaced by G.
Protein change: p.His93Asp; replaces histidine 93 with aspartic acid.
Molecular consequence: missense variant.
Genome position (GRCh38, 1-based): chr11:119,101,023, G>C on the plus strand (C>G on the coding strand, the complement: DPAGT1 is on the minus strand). VCF-style: chr11-119101023-G-C. GRCh37 (hg19) VCF-style: chr11-118971733-G-C.
Other names: short protein forms H93D.
Identifiers: ClinVar variation 1516029 (VCV001516029.6), dbSNP rs1234809605, ClinGen allele CA382915557.

ClinVar aggregate classification (germline): Uncertain significance (1 of 4 stars; one submission).

Conditions:
DPAGT1-congenital disorder of glycosylation. Also called: CDG Ij; DPAGT1-CDG; CONGENITAL DISORDER OF GLYCOSYLATION, TYPE Ij. Identifiers: Orphanet 86309, MedGen C2931004, MONDO:0011964, OMIM 608093.
Congenital myasthenic syndrome 13 (CMS13). Also called: Myasthenic syndrome, congenital, 13, with tubular aggregates; Myasthenic syndrome, congenital, with tubular aggregates 2. Identifiers: Orphanet 353327, Orphanet 590, MedGen C3553645, MONDO:0013883, OMIM 614750.

Allele frequency attached by ClinVar (database versions not stated): gnomAD exomes below 0.00001; gnomAD 0.00001; TOPMed 0.00001.
gnomAD v4.1: 4 of 1,614,090 alleles (0.00025%); highest among the groups gnomAD compares: African/African-American, 0.004%; no homozygotes.

Submission:

Labcorp Genetics (formerly Invitae), Labcorp
Classification: Uncertain significance for Congenital myasthenic syndrome 13; DPAGT1-congenital disorder of glycosylation. Last evaluated: 2022-02-04. Review status: criteria provided, single submitter. Criteria: Invitae Variant Classification Sherloc (09022015). Collection method: clinical testing. Allele origin: germline.
Comment: This variant is present in population databases (no rsID available, gnomAD 0.0009%). This sequence change replaces histidine, which is basic and polar, with aspartic acid, which is acidic and polar, at codon 93 of the DPAGT1 protein (p.His93Asp). This variant has not been reported in the literature in individuals affected with DPAGT1-related conditions. In summary, the available evidence is currently insufficient to determine the role of this variant in disease. Therefore, it has been classified as a Variant of Uncertain Significance. Algorithms developed to predict the effect of missense changes on protein structure and function (SIFT, PolyPhen-2, Align-GVGD) all suggest that this variant is likely to be tolerated.